The following is an entry in ClinVar:

ClinVar aggregate classification (germline): Likely benign (1 of 4 stars; one submission).

Conditions:
NRP2-related disorder. Also called: NRP2-related condition.

gnomAD v4.1: 5 of 1,614,062 alleles (0.00031%); highest among the groups gnomAD compares: Admixed American, 0.0067%; no homozygotes.

Submission:

PreventionGenetics, part of Exact Sciences
Classification: Likely benign for NRP2-related condition. Last evaluated: 2024-12-28. Review status: criteria provided, single submitter. Criteria: ACMG Guidelines, 2015. Collection method: clinical testing. Allele origin: germline.
Comment: This variant is classified as likely benign based on ACMG/AMP sequence variant interpretation guidelines (Richards et al. 2015 PMID: 25741868, with internal and published modifications).

NM_003872.3(NRP2):c.762G>T (p.Ala254=)

Gene: NRP2 (neuropilin 2; plus strand). Cytogenetic location: 2q33.3.
Variant type: single nucleotide variant.
Coding change: c.762G>T on transcript NM_003872.3 (MANE Select); coding-DNA position 762, G replaced by T.
Protein change: p.Ala254=; no amino-acid change (alanine 254 retained).
Molecular consequence: synonymous variant.
Genome position (GRCh38, 1-based): chr2:205,723,882, G>T. VCF-style: chr2-205723882-G-T. GRCh37 (hg19) VCF-style: chr2-206588606-G-T.
Other names: c.762G>T, p.Ala254= (NM_018534.4, NM_201264.2, NM_201266.2 and 2 more transcripts).
Identifiers: ClinVar variation 4996809 (VCV004996809.1).
Genomic context (GRCh38, chr2:205,723,882, plus strand): 5'-ACCCTCTGAACTTCGTTCATCGACGGGGATCCTCTCCCTGACCTTTCACACGGACATGGC[G>T]GTGGCCAAGGATGGCTTCTCTGCGCGTTACTACCTGGTCCACCAAGAGCCACTAGAGAGT-3'
Protein context (NP_003863.2, residues 244-264): ILSLTFHTDM[Ala254=]VAKDGFSARY